The following is an entry in ClinVar:

ClinVar aggregate classification (germline): Benign. Review status: reviewed by expert panel (3 of 4 stars). 8 submissions from 7 submitters: Benign (1). 7 of the submissions do not count toward it. Last evaluated 2026-10-27.

Conditions:
CYP1B1-related glaucoma with or without anterior segment dysgenesis. Identifiers: MedGen CN375931, MONDO:0800472.
Congenital glaucoma. Identifiers: MedGen C0020302, MONDO:0020366.
Irido-corneo-trabecular dysgenesis (ASGD5). Also called: ANTERIOR SEGMENT DYSGENESIS 5. Identifiers: Orphanet 708, MedGen C0344559, MONDO:0011414, OMIM 604229, HP:0000659.
Glaucoma 3A. Also called: Glaucoma 3, primary congenital, A. Identifiers: Orphanet 98976, Orphanet 98977, MedGen C1856439, MONDO:0009277, OMIM 231300.

Allele frequency attached by ClinVar (database versions not stated): TOPMed 0.02541; 1000 Genomes Project 30x 0.02701; 1000 Genomes Project 0.02376; ESP Exome Variant Server 0.02402; gnomAD exomes 0.00207 and 0.00489; ExAC 0.01011; gnomAD 0.02411 and 0.02257.
gnomAD v4.1: 6,459 of 1,567,192 alleles (0.41%); highest among the groups gnomAD compares: African/African-American, 7.8%; 239 homozygotes.

Submissions (8):

ClinGen Glaucoma Variant Curation Expert Panel
Classification: Benign for CYP1B1-related glaucoma with or without anterior segment dysgenesis. Last evaluated: 2026-10-27. Review status: reviewed by expert panel. Criteria: ClinGen Glaucoma ACMG Specifications CYP1B1 V2.0. Collection method: curation. Allele origin: germline. Inheritance: Autosomal recessive inheritance.
Comment: The c.564C>A variant in CYP1B1 is a synonymous variant (p.Gly188=). The highest minor allele frequency of this variant was in the African/African American genetic ancestry group of gnomAD (v4.1) = 0.07788, which met the ≥ 0.05 threshold set for BA1 (5,763 alleles out of 73,998, meeting the threshold of ≥ 5 of at least 2,000 observed alleles). The SpliceAI score = 0, which met the ≤ 0.1 threshold for BP4, suggesting that the variant does not impact CYP1B1 function. This synonymous variant is located outside of the first and the last 3 bases of the exon and BP4 is met, so BP7 is met. There was no functional evidence predicting a damaging or benign impact of this variant on CYP1B1 function. In summary, this variant was classified as benign (BA1 is a stand-alone criterion for a benign level of pathogenicity) for CYP1B1-related glaucoma with or without anterior segment dysgenesis (ASD) based on the ACMG/AMP criteria met, as specified by the ClinGen Glaucoma VCEP (v2.0, 16.07.2026): BA1, BP4, BP7.

Labcorp Genetics (formerly Invitae), Labcorp
Classification: Benign for Congenital glaucoma. Last evaluated: 2026-02-02. Review status: criteria provided, single submitter. Criteria: Invitae Variant Classification Sherloc (09022015). Collection method: clinical testing. Allele origin: germline. Not counted in ClinVar's aggregate classification.

Illumina Laboratory Services, Illumina
Classification: Benign for Glaucoma 3A. Last evaluated: 2018-01-13. Review status: criteria provided, single submitter. Criteria: ICSL Variant Classification Criteria 13 December 2019. Collection method: clinical testing. Allele origin: germline. Not counted in ClinVar's aggregate classification.
Comment: This variant was observed in the ICSL laboratory as part of a predisposition screen in an ostensibly healthy population. It had not been previously curated by ICSL or reported in the Human Gene Mutation Database (HGMD: prior to June 1st, 2018), and was therefore a candidate for classification through an automated scoring system. Utilizing variant allele frequency, disease prevalence and penetrance estimates, and inheritance mode, an automated score was calculated to assess if this variant is too frequent to cause the disease. Based on the score and internal cut-off values, a variant classified as benign is not then subjected to further curation. The score for this variant resulted in a classification of benign for this disease.

Illumina Laboratory Services, Illumina
Classification: Benign for Irido-corneo-trabecular dysgenesis. Last evaluated: 2018-01-13. Review status: criteria provided, single submitter. Criteria: ICSL Variant Classification Criteria 13 December 2019. Collection method: clinical testing. Allele origin: germline. Not counted in ClinVar's aggregate classification.
Comment: the same text as in the submission from Illumina Laboratory Services, Illumina above.

GeneDx
Classification: Benign. Last evaluated: 2015-03-03. Review status: criteria provided, single submitter. Criteria: GeneDx Variant Classification Process June 2021. Collection method: clinical testing. Allele origin: germline. Affected: yes. Not counted in ClinVar's aggregate classification.

Eurofins Ntd Llc (ga)
Classification: Benign. Last evaluated: 2014-04-24. Review status: criteria provided, single submitter. Criteria: EGL Classification Definitions 2015. Collection method: clinical testing. Allele origin: germline. Observed: 1 variant allele, 1 heterozygote. Not counted in ClinVar's aggregate classification.

Breakthrough Genomics
Classification: Benign. Review status: criteria provided, single submitter. Criteria: ACMG Guidelines, 2015. Collection method: not provided. Allele origin: germline. Inheritance: Autosomal recessive inheritance. Affected: yes. Not counted in ClinVar's aggregate classification.

PreventionGenetics, part of Exact Sciences
Classification: Benign. Review status: criteria provided, single submitter. Criteria: ACMG Guidelines, 2015. Collection method: clinical testing. Allele origin: germline. Not counted in ClinVar's aggregate classification.

NM_000104.4(CYP1B1):c.564C>A (p.Gly188=)

Gene: CYP1B1 (cytochrome P450 family 1 subfamily B member 1; minus strand). Cytogenetic location: 2p22.2.
Variant type: single nucleotide variant.
Coding change: c.564C>A on transcript NM_000104.4 (MANE Select); coding-DNA position 564, C replaced by A.
Protein change: p.Gly188=; no amino-acid change (glycine 188 retained).
Molecular consequence: synonymous variant.
Genome position (GRCh38, 1-based): chr2:38,074,825, G>T on the plus strand (C>A on the coding strand, the complement: CYP1B1 is on the minus strand). VCF-style: chr2-38074825-G-T. GRCh37 (hg19) VCF-style: chr2-38301968-G-T.
Other names: NM_000104.4(CYP1B1):c.564C>A; p.Gly188=.
Identifiers: ClinVar variation 166973 (VCV000166973.22), dbSNP rs9341247, ClinGen allele CA179954.